The following is an entry in ClinVar:

NM_000038.6(APC):c.2943del (p.Ser982fs)

Gene: APC (APC regulator of Wnt signaling pathway; plus strand). Cytogenetic location: 5q22.2.
Variant type: Deletion.
Coding change: c.2943del on transcript NM_000038.6 (MANE Select); coding-DNA position 2943, one base deleted (C; older notation c.2943delC).
Protein change: p.Ser982fs; shifts the reading frame from serine 982.
Molecular consequence: frameshift variant.
Genome position (GRCh38, 1-based): chr5:112,838,537, C deleted; the last of 3 consecutive C bases (chr5:112,838,535-112,838,537); deleting any one gives the same sequence. VCF-style (leftmost placement, unchanged base first): chr5-112838534-AC-A. GRCh37 (hg19) VCF-style: chr5-112174231-AC-A.
Other names: c.2943del, p.Ser982fs (NM_001127510.3, NM_001354895.2); c.2889del, p.Ser964fs (NM_001127511.3); c.2997del, p.Ser1000fs (NM_001354896.2); c.2973del, p.Ser992fs (NM_001354897.2); c.2868del, p.Ser957fs (NM_001354898.2); c.2859del, p.Ser954fs (NM_001354899.2); c.2820del, p.Ser941fs (NM_001354900.2); c.2766del, p.Ser923fs (NM_001354901.2); and 5 more; short protein forms S1000fs, S699fs, S822fs, S856fs, S881fs, S891fs, S923fs, S941fs.
Identifiers: ClinVar variation 1677125 (VCV001677125.1), dbSNP rs2149880739, ClinGen allele CA645562875.

ClinVar aggregate classification (germline): Likely pathogenic (1 of 4 stars; one submission).

Conditions:
Familial multiple polyposis syndrome (FAP). Also called: Familial adenomatous polyposis; Familial intestinal polyposis; Classic familial adenomatous polyposis; Familial Adenomatous Polyposis (FAP); Familial polyposis. Identifiers: Orphanet 733, MedGen C0032580, MONDO:0021055. Disease mechanism: loss of function.

Submission:

Women's Health and Genetics/Laboratory Corporation of America, LabCorp
Classification: Likely pathogenic for Familial multiple polyposis syndrome. Last evaluated: 2022-03-17. Review status: criteria provided, single submitter. Criteria: LabCorp Variant Classification Summary - May 2015. Collection method: clinical testing. Allele origin: germline.
Comment: Variant summary: APC c.2943delC (p.Ser982ArgfsX23) results in a premature termination codon, located in exon 16 (i.e. in the last exon), therefore it is not expected to cause nonsense mediated decay (NMD), but is predicted to cause a large truncation of this 2843 amino acids long protein. Truncations downstream of this position have been classified as pathogenic by our laboratory. The variant was absent in 251288 control chromosomes (gnomAD). To our knowledge, no occurrence of c.2943delC in individuals affected with Familial Adenomatous Polyposis and no experimental evidence demonstrating its impact on protein function have been reported. No clinical diagnostic laboratories have submitted clinical-significance assessments for this variant to ClinVar after 2014. Based on the evidence outlined above, the variant was classified as likely pathogenic.